The following is an entry in ClinVar:

ClinVar aggregate classification (germline): Uncertain significance (1 of 4 stars; one submission).

Conditions:
Congenital contractural arachnodactyly (CCA). Also called: Beals-Hecht syndrome; BEALS SYNDROME; Arthrogryposis, distal, type 9. Identifiers: Orphanet 115, MedGen C0220668, MONDO:0007363, OMIM 121050.

Submission:

Labcorp Genetics (formerly Invitae), Labcorp
Classification: Uncertain significance for Congenital contractural arachnodactyly. Last evaluated: 2026-01-19. Review status: criteria provided, single submitter. Criteria: Invitae Variant Classification Sherloc (09022015). Collection method: clinical testing. Allele origin: germline.
Comment: This sequence change replaces methionine, which is neutral and non-polar, with valine, which is neutral and non-polar, at codon 669 of the FBN2 protein (p.Met669Val). This variant is not present in population databases (gnomAD no frequency). This variant has not been reported in the literature in individuals affected with FBN2-related conditions. Invitae Evidence Modeling of protein sequence and biophysical properties (such as structural, functional, and spatial information, amino acid conservation, physicochemical variation, residue mobility, and thermodynamic stability) indicates that this missense variant is not expected to disrupt FBN2 protein function with a negative predictive value of 80%. In summary, the available evidence is currently insufficient to determine the role of this variant in disease. Therefore, it has been classified as a Variant of Uncertain Significance.

NM_001999.4(FBN2):c.2005A>G (p.Met669Val)

Gene: FBN2 (fibrillin 2; minus strand). Cytogenetic location: 5q23.3.
Variant type: single nucleotide variant.
Coding change: c.2005A>G on transcript NM_001999.4 (MANE Select); coding-DNA position 2005, A replaced by G.
Protein change: p.Met669Val; replaces methionine 669 with valine.
Molecular consequence: missense variant.
Genome position (GRCh38, 1-based): chr5:128,374,718, T>C on the plus strand (A>G on the coding strand, the complement: FBN2 is on the minus strand). VCF-style: chr5-128374718-T-C. GRCh37 (hg19) VCF-style: chr5-127710411-T-C.
Other names: short protein forms M669V.
Identifiers: ClinVar variation 4737679 (VCV004737679.1).